The following is an entry in ClinVar:

ClinVar aggregate classification (germline): Uncertain significance. Review status: criteria provided, multiple submitters, no conflicts (2 of 4 stars). 2 submissions from 2 submitters: Uncertain significance (2). Last evaluated 2023-10-03.

Conditions:
Neuropathy, hereditary sensory and autonomic, type 2A (HSAN2A). Also called: ACROOSTEOLYSIS, GIACCAI TYPE; ACROOSTEOLYSIS, NEUROGENIC; MORVAN DISEASE; NEUROPATHY, CONGENITAL SENSORY; NEUROPATHY, HEREDITARY SENSORY RADICULAR, AUTOSOMAL RECESSIVE; NEUROPATHY, HEREDITARY SENSORY, TYPE IIA. Identifiers: Orphanet 970, MedGen C2752089, MONDO:0024309, OMIM 201300.
Pseudohypoaldosteronism type 2C (PHA2C). Also called: Pseudohypoaldosteronism Type IIC. Identifiers: Orphanet 757, Orphanet 88940, MedGen C1840391, MONDO:0013778, OMIM 614492.

Allele frequency attached by ClinVar (database versions not stated): gnomAD exomes below 0.00001; gnomAD 0.00002; TOPMed 0.00004.
gnomAD v4.1: 4 of 1,609,512 alleles (0.00025%); highest among the groups gnomAD compares: African/African-American, 0.0053%; no homozygotes.

Submissions (2):

Labcorp Genetics (formerly Invitae), Labcorp
Classification: Uncertain significance for Neuropathy, hereditary sensory and autonomic, type 2A; Pseudohypoaldosteronism type 2C. Last evaluated: 2023-10-03. Review status: criteria provided, single submitter. Criteria: Invitae Variant Classification Sherloc (09022015). Collection method: clinical testing. Allele origin: germline.
Comment: This sequence change replaces serine, which is neutral and polar, with asparagine, which is neutral and polar, at codon 174 of the WNK1 protein (p.Ser174Asn). The frequency data for this variant in the population databases is considered unreliable, as metrics indicate poor data quality at this position in the gnomAD database. This variant has not been reported in the literature in individuals affected with WNK1-related conditions. ClinVar contains an entry for this variant (Variation ID: 1433433). Advanced modeling of protein sequence and biophysical properties (such as structural, functional, and spatial information, amino acid conservation, physicochemical variation, residue mobility, and thermodynamic stability) performed at Invitae indicates that this missense variant is not expected to disrupt WNK1 protein function. In summary, the available evidence is currently insufficient to determine the role of this variant in disease. Therefore, it has been classified as a Variant of Uncertain Significance.

Fulgent Genetics
Classification: Uncertain significance for Neuropathy, hereditary sensory and autonomic, type 2A; Pseudohypoaldosteronism type 2C. Last evaluated: 2021-12-09. Review status: criteria provided, single submitter. Criteria: ACMG Guidelines, 2015. Collection method: clinical testing. Allele origin: unknown.

NM_018979.4(WNK1):c.521G>A (p.Ser174Asn)

Gene: WNK1 (WNK lysine deficient protein kinase 1; plus strand). Cytogenetic location: 12p13.33.
Variant type: single nucleotide variant.
Coding change: c.521G>A on transcript NM_018979.4 (MANE Select); coding-DNA position 521, G replaced by A.
Protein change: p.Ser174Asn; replaces serine 174 with asparagine.
Molecular consequence: missense variant.
Genome position (GRCh38, 1-based): chr12:754,086, G>A. VCF-style: chr12-754086-G-A. GRCh37 (hg19) VCF-style: chr12-863252-G-A.
Other names: c.521G>A, p.Ser174Asn (NM_001184985.2, NM_014823.3, NM_213655.5); short protein forms S174N.
Identifiers: ClinVar variation 1433433 (VCV001433433.7), dbSNP rs1012754203, ClinGen allele CA231464358.